The following is an entry in ClinVar:

ClinVar aggregate classification (germline): Uncertain significance (1 of 4 stars; one submission).

Allele frequency attached by ClinVar (database versions not stated): gnomAD exomes 0.00001; ExAC 0.00003; gnomAD 0.00009; TOPMed 0.00017; 1000 Genomes Project 30x 0.00031; 1000 Genomes Project 0.00040.
gnomAD v4.1: 43 of 1,613,964 alleles (0.0027%); highest among the groups gnomAD compares: Admixed American, 0.022%; no homozygotes.

Submission:

Ambry Genetics
Classification: Uncertain significance. Last evaluated: 2025-07-15. Review status: criteria provided, single submitter. Criteria: Ambry Variant Classification Scheme 2023. Collection method: clinical testing. Allele origin: germline.
Comment: The c.671G>A (p.R224Q) alteration is located in exon (coding exon ) of the SH3RF3 gene. This alteration results from a G to A substitution at nucleotide position 671, causing the arginine (R) at amino acid position 224 to be replaced by a glutamine (Q). Based on insufficient or conflicting evidence, the clinical significance of this alteration remains unclear.

NM_001099289.3(SH3RF3):c.671G>A (p.Arg224Gln)

Genes: RANBP2 (RAN binding protein 2; plus strand), SH3RF3 (SH3 domain containing ring finger 3; plus strand). Cytogenetic location: 2q13.
Variant type: single nucleotide variant.
Coding change: c.671G>A on transcript NM_001099289.3 (MANE Select); coding-DNA position 671, G replaced by A.
Protein change: p.Arg224Gln; replaces arginine 224 with glutamine.
Molecular consequence: missense variant.
Genome position (GRCh38, 1-based): chr2:109,347,771, G>A. VCF-style: chr2-109347771-G-A. GRCh37 (hg19) VCF-style: chr2-109964227-G-A.
Other names: short protein forms R224Q.
Identifiers: ClinVar variation 2594487 (VCV002594487.3), dbSNP rs527460821, ClinGen allele CA1825397.
Genomic context (GRCh38, chr2:109,347,771, plus strand): 5'-GCTACGAGGGGAAGGAACCTGGTGACCTCAAGTTCAACAAGGGGGACATCATCGTCCTGC[G>A]GCGCAAGGTGGATGAACAGTGGTACCACGGCGAGCTGCACGGCACACAGGGCTTCCTCCC-3'
Protein context (NP_001092759.1, residues 214-234): KFNKGDIIVL[Arg224Gln]RKVDEQWYHG